The following is an entry in ClinVar:

ClinVar aggregate classification (germline): Uncertain significance (1 of 4 stars; one submission).

Submission:

GeneDx
Classification: Uncertain significance. Last evaluated: 2026-03-23. Review status: criteria provided, single submitter. Criteria: GeneDx Variant Classification Process June 2021. Collection method: clinical testing. Allele origin: germline.
Comment: Identified in a patient with suspected skeletal dysplasia or growth disorder and classified as a variant of uncertain significance in published literature (PMID: 34627339); Not observed at significant frequency in large population cohorts (gnomAD); In silico analysis supports that this missense variant has a deleterious effect on protein structure/function; In silico analysis suggests this variant may impact gene splicing. In the absence of RNA/functional studies, the actual effect of this sequence change is unknown.; This variant is associated with the following publications: (PMID: 34627339)

NM_001369268.1(ACAN):c.455G>A (p.Gly152Asp)

Gene: ACAN (aggrecan; plus strand). Cytogenetic location: 15q26.1.
Variant type: single nucleotide variant.
Coding change: c.455G>A on transcript NM_001369268.1 (MANE Select); coding-DNA position 455, G replaced by A.
Protein change: p.Gly152Asp; replaces glycine 152 with aspartic acid.
Molecular consequence: missense variant.
Genome position (GRCh38, 1-based): chr15:88,840,012, G>A. VCF-style: chr15-88840012-G-A. GRCh37 (hg19) VCF-style: chr15-89383243-G-A.
Other names: c.455G>A, p.Gly152Asp (NM_001135.4, NM_013227.4); short protein forms G152D.
Identifiers: ClinVar variation 5016828 (VCV005016828.1), dbSNP rs2141566456.